The following is an entry in ClinVar:

ClinVar aggregate classification (germline): Pathogenic. Review status: criteria provided, multiple submitters, no conflicts (2 of 4 stars). 2 submissions from 2 submitters: Pathogenic (2). Last evaluated 2023-07-03.

Submissions (2):

Labcorp Genetics (formerly Invitae), Labcorp
Classification: Pathogenic. Last evaluated: 2023-07-03. Review status: criteria provided, single submitter. Criteria: Invitae Variant Classification Sherloc (09022015). Collection method: clinical testing. Allele origin: germline.
Comment: For these reasons, this variant has been classified as Pathogenic. ClinVar contains an entry for this variant (Variation ID: 282911). This variant has not been reported in the literature in individuals affected with NPHS1-related conditions. This variant is not present in population databases (gnomAD no frequency). This sequence change creates a premature translational stop signal (p.Val950*) in the NPHS1 gene. It is expected to result in an absent or disrupted protein product. Loss-of-function variants in NPHS1 are known to be pathogenic (PMID: 11317351, 11854170, 12039988).

Eurofins Ntd Llc (ga)
Classification: Pathogenic. Last evaluated: 2015-08-30. Review status: criteria provided, single submitter. Criteria: EGL Classification Definitions 2015. Collection method: clinical testing. Allele origin: germline. Observed: 1 variant allele, 1 heterozygote.

Literature cited by the submitters: PubMed 11317351 (cited by Labcorp Genetics (formerly Invitae), Labcorp); PubMed 11854170 (cited by Labcorp Genetics (formerly Invitae), Labcorp); PubMed 12039988 (cited by Labcorp Genetics (formerly Invitae), Labcorp).

NM_004646.4(NPHS1):c.2847_2853del (p.Val949_Val950insTer)

Gene: NPHS1 (NPHS1 adhesion molecule, nephrin; minus strand). Cytogenetic location: 19q13.12.
Variant type: Deletion.
Coding change: c.2847_2853del on transcript NM_004646.4 (MANE Select); coding-DNA positions 2847 to 2853, 7 bases deleted (TGTGAGT; older notation c.2847_2853delTGTGAGT).
Protein change: p.Val949_Val950insTer.
Molecular consequence: frameshift variant.
Genome position (GRCh38, 1-based): chr19:35,839,570-35,839,576, ACTCACA deleted on the plus strand (TGTGAGT on the coding strand, the reverse complement: NPHS1 is on the minus strand); deleting any 7 consecutive bases within chr19:35,839,570-35,839,578 gives the same sequence; the c. name uses the placement nearest the transcript's 3' end. VCF-style (leftmost placement, unchanged base first): chr19-35839569-GACTCACA-G. GRCh37 (hg19) VCF-style: chr19-36330471-GACTCACA-G.
Identifiers: ClinVar variation 282911 (VCV000282911.9), dbSNP rs886042517, ClinGen allele CA10604341.
Genomic context (GRCh38, chr19:35,839,569, plus strand): 5'-TCTGTGGCAGGCCCCCATCAAAGCCAGGCTTCCACTCCAGCCCCACGGAGTGTGGGGTCA[GACTCACA>G]ACCTTTAATCCTGATGGAGGGTCAGGGCGGCCTATGGGGAGAAAGATGGGAAAGCAGTCA-3'